The following is an entry in ClinVar:

ClinVar aggregate classification (germline): Likely benign (1 of 4 stars; one submission).

Allele frequency attached by ClinVar (database versions not stated): gnomAD exomes below 0.00001.
gnomAD v4.1: 2 of 1,613,308 alleles (0.00012%); highest among the groups gnomAD compares: Non-Finnish European, 0.000085%; no homozygotes.

Submission:

CeGaT Center for Human Genetics Tuebingen
Classification: Likely benign. Last evaluated: 2022-07-01. Review status: criteria provided, single submitter. Criteria: CeGaT Center For Human Genetics Tuebingen Variant Classification Criteria Version 2. Collection method: clinical testing. Allele origin: germline. Affected: yes. Observed: 1 variant allele.
Comment: TRIO: PM2, BP4, BS2

NM_007118.4(TRIO):c.8210+3G>T

Genes: TRIO (trio Rho guanine nucleotide exchange factor; plus strand), LOC126807323 (CDK7 strongly-dependent group 2 enhancer GRCh37_chr5:14497716-14498915; plus strand). Cytogenetic location: 5p15.2.
Variant type: single nucleotide variant.
Coding change: c.8210+3G>T on transcript NM_007118.4 (MANE Select); 3 bases into the intron after coding-DNA position 8210, G replaced by T.
Molecular consequence: intron variant.
Genome position (GRCh38, 1-based): chr5:14,498,254, G>T. VCF-style: chr5-14498254-G-T. GRCh37 (hg19) VCF-style: chr5-14498363-G-T.
Identifiers: ClinVar variation 2655358 (VCV002655358.24), dbSNP rs2477613837, ClinGen allele CA2578272652.